The following is an entry in ClinVar:

ClinVar aggregate classification (germline): Uncertain significance (1 of 4 stars; one submission).

Allele frequency attached by ClinVar (database versions not stated): ExAC 0.00003; gnomAD 0.00003; TOPMed 0.00007; ESP Exome Variant Server 0.00008.

Submission:

Labcorp Genetics (formerly Invitae), Labcorp
Classification: Uncertain significance. Last evaluated: 2022-07-05. Review status: criteria provided, single submitter. Criteria: Invitae Variant Classification Sherloc (09022015). Collection method: clinical testing. Allele origin: germline.
Comment: This sequence change replaces valine, which is neutral and non-polar, with isoleucine, which is neutral and non-polar, at codon 1357 of the DOCK6 protein (p.Val1357Ile). This variant is present in population databases (rs376153451, gnomAD 0.03%). In summary, the available evidence is currently insufficient to determine the role of this variant in disease. Therefore, it has been classified as a Variant of Uncertain Significance. Algorithms developed to predict the effect of missense changes on protein structure and function output the following: SIFT: "Tolerated"; PolyPhen-2: "Benign"; Align-GVGD: "Class C0". The isoleucine amino acid residue is found in multiple mammalian species, which suggests that this missense change does not adversely affect protein function. This variant has not been reported in the literature in individuals affected with DOCK6-related conditions.

NM_020812.4(DOCK6):c.4069G>A (p.Val1357Ile)

Genes: DOCK6 (dedicator of cytokinesis 6; minus strand), DOCK6-AS1 (DOCK6 antisense RNA 1; plus strand). Cytogenetic location: 19p13.2.
Variant type: single nucleotide variant.
Coding change: c.4069G>A on transcript NM_020812.4 (MANE Select); coding-DNA position 4069, G replaced by A.
Protein change: p.Val1357Ile; replaces valine 1357 with isoleucine.
Molecular consequence: missense variant.
Genome position (GRCh38, 1-based): chr19:11,215,424, C>T on the plus strand (G>A on the coding strand, the complement: DOCK6 is on the minus strand). VCF-style: chr19-11215424-C-T. GRCh37 (hg19) VCF-style: chr19-11326100-C-T.
Other names: c.4174G>A, p.Val1392Ile (NM_001367830.1); short protein forms V1392I, V1357I.
Identifiers: ClinVar variation 1908215 (VCV001908215.3), dbSNP rs376153451, ClinGen allele CA9207005.